The following is an entry in ClinVar:

ClinVar aggregate classification (germline): Uncertain significance (1 of 4 stars; one submission).

Conditions:
Singleton-Merten syndrome 1 (SGMRT1). Also called: Widened medullary cavities of bone, aortic calcification, abnormal dentition, and muscular weakness; Syndrome of widened medullary cavities of the metacarpals and phalanges, aortic calcification and abnormal dentition. Identifiers: Orphanet 85191, MedGen C4225427, MONDO:0024535, OMIM 182250.
Aicardi-Goutieres syndrome 7 (AGS7). Identifiers: Orphanet 51, MedGen C3888244, MONDO:0014367, OMIM 615846.

Submission:

Labcorp Genetics (formerly Invitae), Labcorp
Classification: Uncertain significance for Aicardi-Goutieres syndrome 7; Singleton-Merten syndrome 1. Last evaluated: 2024-04-24. Review status: criteria provided, single submitter. Criteria: Invitae Variant Classification Sherloc (09022015). Collection method: clinical testing. Allele origin: germline.
Comment: This sequence change replaces glycine, which is neutral and non-polar, with glutamic acid, which is acidic and polar, at codon 332 of the IFIH1 protein (p.Gly332Glu). This variant is not present in population databases (gnomAD no frequency). This variant has not been reported in the literature in individuals affected with IFIH1-related conditions. Advanced modeling of protein sequence and biophysical properties (such as structural, functional, and spatial information, amino acid conservation, physicochemical variation, residue mobility, and thermodynamic stability) has been performed at Invitae for this missense variant, however the output from this modeling did not meet the statistical confidence thresholds required to predict the impact of this variant on IFIH1 protein function. In summary, the available evidence is currently insufficient to determine the role of this variant in disease. Therefore, it has been classified as a Variant of Uncertain Significance.

NM_022168.4(IFIH1):c.995G>A (p.Gly332Glu)

Gene: IFIH1 (interferon induced with helicase C domain 1; minus strand). Cytogenetic location: 2q24.2.
Variant type: single nucleotide variant.
Coding change: c.995G>A on transcript NM_022168.4 (MANE Select); coding-DNA position 995, G replaced by A.
Protein change: p.Gly332Glu; replaces glycine 332 with glutamic acid.
Molecular consequence: missense variant.
Genome position (GRCh38, 1-based): chr2:162,288,235, C>T on the plus strand (G>A on the coding strand, the complement: IFIH1 is on the minus strand). VCF-style: chr2-162288235-C-T. GRCh37 (hg19) VCF-style: chr2-163144745-C-T.
Other names: short protein forms G332E.
Identifiers: ClinVar variation 3753636 (VCV003753636.2).